The following is an entry in ClinVar:

NM_001792.5(CDH2):c.1558A>G (p.Thr520Ala)

Gene: CDH2 (cadherin 2; minus strand). Cytogenetic location: 18q12.1.
Variant type: single nucleotide variant.
Coding change: c.1558A>G on transcript NM_001792.5 (MANE Select); coding-DNA position 1558, A replaced by G.
Protein change: p.Thr520Ala; replaces threonine 520 with alanine.
Molecular consequence: missense variant.
Genome position (GRCh38, 1-based): chr18:27,990,137, T>C on the plus strand (A>G on the coding strand, the complement: CDH2 is on the minus strand). VCF-style: chr18-27990137-T-C. GRCh37 (hg19) VCF-style: chr18-25570101-T-C.
Other names: c.1465A>G, p.Thr489Ala (NM_001308176.2); short protein forms T489A, T520A.
Identifiers: ClinVar variation 1930749 (VCV001930749.5), dbSNP rs138057585, ClinGen allele CA8923365.

ClinVar aggregate classification (germline): Uncertain significance (1 of 4 stars; one submission).

Allele frequency attached by ClinVar (database versions not stated): gnomAD exomes below 0.00001; ExAC 0.00001; ESP Exome Variant Server 0.00008.
gnomAD v4.1: 1 of 1,614,042 alleles (0.000062%); highest among the groups gnomAD compares: Non-Finnish European, 0.000085%; no homozygotes.

Submission:

Labcorp Genetics (formerly Invitae), Labcorp
Classification: Uncertain significance. Last evaluated: 2025-07-07. Review status: criteria provided, single submitter. Criteria: Invitae Variant Classification Sherloc (09022015). Collection method: clinical testing. Allele origin: germline.
Comment: This sequence change replaces threonine, which is neutral and polar, with alanine, which is neutral and non-polar, at codon 520 of the CDH2 protein (p.Thr520Ala). This variant is present in population databases (rs138057585, gnomAD 0.0009%). This variant has not been reported in the literature in individuals affected with CDH2-related conditions. ClinVar contains an entry for this variant (Variation ID: 1930749). An algorithm developed to predict the effect of missense changes on protein structure and function (PolyPhen-2) suggests that this variant is likely to be tolerated. In summary, the available evidence is currently insufficient to determine the role of this variant in disease. Therefore, it has been classified as a Variant of Uncertain Significance.